The following is an entry in ClinVar:

ClinVar aggregate classification (germline): Uncertain significance. Review status: criteria provided, multiple submitters, no conflicts (2 of 4 stars). 2 submissions from 2 submitters: Uncertain significance (2). Last evaluated 2025-09-05.

Conditions:
Rubinstein-Taybi syndrome due to EP300 haploinsufficiency. Also called: EP300-Related Rubinstein-Taybi Syndrome; RUBINSTEIN-TAYBI SYNDROME 2. Identifiers: Orphanet 353284, Orphanet 783, MedGen C3150941, MONDO:0013364, OMIM 613684.

Submissions (2):

Dasa
Classification: Uncertain significance. Last evaluated: 2025-09-05. Review status: criteria provided, single submitter. Criteria: DASA Assertion Criteria. Collection method: clinical testing. Allele origin: germline.
Comment: NM_001429.4(EP300):c.2659A>G (p.Thr887Ala) is a missense variant that results in the substitution of threonine with alanine. This variant is absent from population databases. The currently available literature and clinical evidence are not sufficient to establish a definitive association between this variant and the reported condition. Therefore, this variant is classified as a variant of uncertain significance.

Genomic Medicine Center of Excellence, King Faisal Specialist Hospital and Research Centre
Classification: Uncertain significance for Rubinstein-Taybi syndrome due to EP300 haploinsufficiency. Last evaluated: 2024-09-22. Review status: criteria provided, single submitter. Criteria: ACMG Guidelines, 2015. Collection method: clinical testing. Allele origin: germline.

NM_001429.4(EP300):c.2659A>G (p.Thr887Ala)

Gene: EP300 (EP300 lysine acetyltransferase; plus strand). Cytogenetic location: 22q13.2.
Variant type: single nucleotide variant.
Coding change: c.2659A>G on transcript NM_001429.4 (MANE Select); coding-DNA position 2659, A replaced by G.
Protein change: p.Thr887Ala; replaces threonine 887 with alanine.
Molecular consequence: missense variant.
Genome position (GRCh38, 1-based): chr22:41,150,040, A>G. VCF-style: chr22-41150040-A-G. GRCh37 (hg19) VCF-style: chr22-41546044-A-G.
Other names: c.2581A>G, p.Thr861Ala (NM_001362843.2); short protein forms T861A, T887A.
Identifiers: ClinVar variation 3362718 (VCV003362718.3).